The following is an entry in ClinVar:

NM_001384474.1(LOXHD1):c.3185C>T (p.Ser1062Leu)

Gene: LOXHD1 (lipoxygenase homology PLAT domains 1; minus strand). Cytogenetic location: 18q21.1.
Variant type: single nucleotide variant.
Coding change: c.3185C>T on transcript NM_001384474.1 (MANE Select); coding-DNA position 3185, C replaced by T.
Protein change: p.Ser1062Leu; replaces serine 1062 with leucine.
Molecular consequence: missense variant.
Genome position (GRCh38, 1-based): chr18:46,559,479, G>A on the plus strand (C>T on the coding strand, the complement: LOXHD1 is on the minus strand). VCF-style: chr18-46559479-G-A. GRCh37 (hg19) VCF-style: chr18-44139442-G-A.
Other names: c.3185C>T, p.Ser1062Leu (NM_144612.7); short protein forms S1062L.
Identifiers: ClinVar variation 556174 (VCV000556174.3), dbSNP rs1217234229, ClinGen allele CA402369064.

ClinVar aggregate classification (germline): Uncertain significance. Review status: criteria provided, single submitter (1 of 4 stars). 2 submissions from 2 submitters: Uncertain significance (1). 1 of the submissions does not count toward it. Last evaluated 2025-11-06.

Conditions:
Autosomal recessive nonsyndromic hearing loss 77. Identifiers: Orphanet 90636, MedGen C2746083, MONDO:0013119, OMIM 613079.

Allele frequency attached by ClinVar (database versions not stated): gnomAD 0.00001; gnomAD exomes 0.00001.
gnomAD v4.1: 4 of 1,551,940 alleles (0.00026%); highest among the groups gnomAD compares: East Asian, 0.0098%; no homozygotes.

Submissions (2):

Women's Health and Genetics/Laboratory Corporation of America, LabCorp
Classification: Uncertain significance. Last evaluated: 2025-11-06. Review status: criteria provided, single submitter. Criteria: LabCorp Variant Classification Summary - May 2015. Collection method: clinical testing. Allele origin: germline.
Comment: Variant summary: LOXHD1 c.3185C>T (p.Ser1062Leu) results in a non-conservative amino acid change in the encoded protein sequence. Algorithms developed to predict the effect of missense changes on protein structure and function are either unavailable or do not agree on the potential impact of this missense change. The variant allele was found at a frequency of 6.3e-06 in 159762 control chromosomes. The available data on variant occurrences in the general population are insufficient to allow any conclusion about variant significance. c.3185C>T has been observed in individuals affected with Nonsyndromic Hearing Loss, without a second variant in LOXHD1 reported/specified (e.g. Jung_2017, Usami_2021). These reports do not provide unequivocal conclusions about association of the variant with Nonsyndromic Hearing Loss And Deafness, Type 77. To our knowledge, no experimental evidence demonstrating an impact on protein function has been reported. The following publications have been ascertained in the context of this evaluation (PMID: 28383030, 34599366). ClinVar contains an entry for this variant (Variation ID: 556174). Based on the evidence outlined above, the variant was classified as uncertain significance.

Counsyl
Classification: Uncertain significance for Autosomal recessive nonsyndromic hearing loss 77. Last evaluated: 2018-01-16. Review status: no assertion criteria provided. Collection method: clinical testing. Allele origin: unknown. Not counted in ClinVar's aggregate classification.

Literature cited by the submitters: PubMed 28383030 (cited by Women's Health and Genetics/Laboratory Corporation of America, LabCorp and Counsyl); PubMed 34599366 (cited by Women's Health and Genetics/Laboratory Corporation of America, LabCorp).